The following is an entry in ClinVar:

NM_001377.3(DYNC2H1):c.12317T>C (p.Leu4106Ser)

Gene: DYNC2H1 (dynein cytoplasmic 2 heavy chain 1; plus strand). Cytogenetic location: 11q22.3.
Variant type: single nucleotide variant.
Coding change: c.12317T>C on transcript NM_001377.3 (MANE Select); coding-DNA position 12317, T replaced by C.
Protein change: p.Leu4106Ser; replaces leucine 4106 with serine.
Molecular consequence: missense variant.
Genome position (GRCh38, 1-based): chr11:103,399,823, T>C. VCF-style: chr11-103399823-T-C. GRCh37 (hg19) VCF-style: chr11-103270551-T-C.
Other names: c.12338T>C, p.Leu4113Ser (NM_001080463.2); short protein forms L4113S, L4106S.
Identifiers: ClinVar variation 450808 (VCV000450808.10), dbSNP rs369591902, ClinGen allele CA6255508.

ClinVar aggregate classification (germline): Uncertain significance. Review status: criteria provided, multiple submitters, no conflicts (2 of 4 stars). 3 submissions from 3 submitters: Uncertain significance (3). Last evaluated 2025-08-25.

Conditions:
Inborn genetic diseases. Identifiers: MedGen C0950123, MeSH D030342.
Asphyxiating thoracic dystrophy 3. Also called: SHORT-RIB THORACIC DYSPLASIA 3 WITH OR WITHOUT POLYDACTYLY; POLYDACTYLY WITH NEONATAL CHONDRODYSTROPHY, TYPE I; SHORT-RIB THORACIC DYSPLASIA 3/6 WITH POLYDACTYLY, DIGENIC; Short rib polydactyly syndrome 2B; Saldino-Noonan Syndrome. Identifiers: Orphanet 474, Orphanet 93269, Orphanet 93270, Orphanet 93271, MedGen C0036069, MONDO:0013127, OMIM 613091.

Allele frequency attached by ClinVar (database versions not stated): gnomAD 0.00001; ExAC 0.00002; gnomAD exomes 0.00002 and 0.00003; TOPMed 0.00002; ESP Exome Variant Server 0.00017.
gnomAD v4.1: 42 of 1,613,848 alleles (0.0026%); highest among the groups gnomAD compares: Non-Finnish European, 0.0033%; no homozygotes.

Submissions (3):

Ambry Genetics
Classification: Uncertain significance for Inborn genetic diseases. Last evaluated: 2025-08-25. Review status: criteria provided, single submitter. Criteria: Ambry Variant Classification Scheme 2023. Collection method: clinical testing. Allele origin: germline.

ARUP Laboratories, Molecular Genetics and Genomics, ARUP Laboratories
Classification: Uncertain significance for Asphyxiating thoracic dystrophy 3. Last evaluated: 2021-07-16. Review status: criteria provided, single submitter. Criteria: ARUP Molecular Germline Variant Investigation Process 2021. Collection method: clinical testing. Allele origin: germline.
Comment: The DYNC2H1 c.12338T>C; p.Leu4113Ser variant (rs369591902), to our knowledge, is not reported in the medical literature or gene specific databases. This variant is only observed on four allele in the Genome Aggregation Database, indicating it is not a common polymorphism. The leucine at codon 4113 is highly conserved, but computational analyses are uncertain whether this variant is neutral or deleterious (REVEL: 0.427). Due to limited information, the clinical significance of the p.Leu4113Ser variant is uncertain at this time.

GeneDx
Classification: Uncertain significance. Last evaluated: 2017-07-31. Review status: criteria provided, single submitter. Criteria: GeneDx Variant Classification (06012015). Collection method: clinical testing. Allele origin: germline. Affected: yes.
Comment: The L4113S variant in the DYNC2H1 gene has not been reported previously as a pathogenic variant, nor as a benign variant, to our knowledge. The L4113S variant is not observed at a significant frequency in large population cohorts (Lek et al., 2016; 1000 Genomes Consortium et al., 2015; Exome Variant Server). The L4113S variant is a non-conservative amino acid substitution, which is likely to impact secondary protein structure as these residues differ in polarity, charge, size and/or other properties. This substitution occurs at a position that is conserved across species. In silico analysis predicts this variant is probably damaging to the protein structure/function. We interpret L4113S as a variant of uncertain significance.